The following is an entry in ClinVar:

NM_173354.5(SIK1):c.855G>A (p.Pro285=)

Gene: SIK1 (salt inducible kinase 1; minus strand). Cytogenetic location: 21q22.3.
Variant type: single nucleotide variant.
Coding change: c.855G>A on transcript NM_173354.5 (MANE Select); coding-DNA position 855, G replaced by A.
Protein change: p.Pro285=; no amino-acid change (proline 285 retained).
Molecular consequence: synonymous variant.
Genome position (GRCh38, 1-based): chr21:43,420,351, C>T on the plus strand (G>A on the coding strand, the complement: SIK1 is on the minus strand). VCF-style: chr21-43420351-C-T. GRCh37 (hg19) VCF-style: chr21-44840231-C-T.
Identifiers: ClinVar variation 784907 (VCV000784907.36), dbSNP rs549052367, ClinGen allele CA321326880.
Genomic context (GRCh38, chr21:43,420,351, plus strand): 5'-ATCGTAGTCGCCCAGGTTGGAGGTGTAGCTGTGTGCGGAGAAGGCGGGGCAGGCGGGTCC[C>T]GGCAAGCAGGGCTCAGCCCGCATCCACCGGTGCTGCCGGATCTGGGCGATGGTGATGCGC-3'
Protein context (NP_775490.2, residues 275-295): HRWMRAEPCL[Pro285=]GPACPAFSAH

ClinVar aggregate classification (germline): Benign/Likely benign. Review status: criteria provided, multiple submitters, no conflicts (2 of 4 stars). 3 submissions from 3 submitters: Benign (2); Likely benign (1). Last evaluated 2025-01-30.

Conditions:
Developmental and epileptic encephalopathy, 30 (DEE30). Also called: Epileptic encephalopathy, early infantile, 30. Identifiers: MedGen C4225360, MONDO:0014595, OMIM 616341.

Allele frequency attached by ClinVar (database versions not stated): gnomAD 0.00006; 1000 Genomes Project 0.00040.

Submissions (3):

Labcorp Genetics (formerly Invitae), Labcorp
Classification: Benign for Developmental and epileptic encephalopathy, 30. Last evaluated: 2025-01-30. Review status: criteria provided, single submitter. Criteria: Invitae Variant Classification Sherloc (09022015). Collection method: clinical testing. Allele origin: germline.

CeGaT Center for Human Genetics Tuebingen
Classification: Benign. Last evaluated: 2022-04-01. Review status: criteria provided, single submitter. Criteria: CeGaT Center For Human Genetics Tuebingen Variant Classification Criteria Version 2. Collection method: clinical testing. Allele origin: germline. Affected: yes. Observed: 1 variant allele.
Comment: SIK1: BS1, BS2

Fulgent Genetics
Classification: Likely benign for Developmental and epileptic encephalopathy, 30. Last evaluated: 2022-03-10. Review status: criteria provided, single submitter. Criteria: ACMG Guidelines, 2015. Collection method: clinical testing. Allele origin: unknown.